The following is an entry in ClinVar:

NM_014467.3(SRPX2):c.586C>A (p.Pro196Thr)

Gene: SRPX2 (sushi repeat containing protein X-linked 2; plus strand). Cytogenetic location: Xq22.1.
Variant type: single nucleotide variant.
Coding change: c.586C>A on transcript NM_014467.3 (MANE Select); coding-DNA position 586, C replaced by A.
Protein change: p.Pro196Thr; replaces proline 196 with threonine.
Molecular consequence: missense variant.
Genome position (GRCh38, 1-based): chrX:100,665,296, C>A. VCF-style: chrX-100665296-C-A. GRCh37 (hg19) VCF-style: chrX-99920293-C-A.
Other names: short protein forms P196T.
Identifiers: ClinVar variation 945500 (VCV000945500.10), dbSNP rs1398023125, ClinGen allele CA413934070.
Genomic context (GRCh38, chrX:100,665,296, plus strand): 5'-TTGGCAGACATAGATCCCCCCAAGATCCGCTGTCCCCACTCACGTGAGAAGATGGCAGAG[C>A]CAGAGAAATTGACTGCTCGAGTATACTGGGACCCACCGTTGGTGAAAGATTCTGCTGATG-3'
Protein context (NP_055282.1, residues 186-206): CPHSREKMAE[Pro196Thr]EKLTARVYWD

ClinVar aggregate classification (germline): Uncertain significance (1 of 4 stars; one submission).

Conditions:
Rolandic epilepsy, impaired intellectual development, and speech dyspraxia, X-linked. Also called: Rolandic epilepsy, intellectual disability, and speech dyspraxia, X-linked; Rolandic epilepsy, impaired intellectual development, and speech dyspraxia. Identifiers: MedGen C1845070, MONDO:0010388, OMIM 300643.

Submission:

Labcorp Genetics (formerly Invitae), Labcorp
Classification: Uncertain significance for Rolandic epilepsy, impaired intellectual development, and speech dyspraxia, X-linked. Last evaluated: 2019-05-31. Review status: criteria provided, single submitter. Criteria: Invitae Variant Classification Sherloc (09022015). Collection method: clinical testing. Allele origin: germline.
Comment: In summary, the available evidence is currently insufficient to determine the role of this variant in disease. Therefore, it has been classified as a Variant of Uncertain Significance. Algorithms developed to predict the effect of missense changes on protein structure and function (SIFT, PolyPhen-2, Align-GVGD) all suggest that this variant is likely to be disruptive, but these predictions have not been confirmed by published functional studies and their clinical significance is uncertain. This variant has not been reported in the literature in individuals with SRPX2-related conditions. This variant is not present in population databases (ExAC no frequency). This sequence change replaces proline with threonine at codon 196 of the SRPX2 protein (p.Pro196Thr). The proline residue is highly conserved and there is a small physicochemical difference between proline and threonine.